The following is an entry in ClinVar:

ClinVar aggregate classification (germline): Uncertain significance. Review status: criteria provided, multiple submitters, no conflicts (2 of 4 stars). 2 submissions from 2 submitters: Uncertain significance (2). Last evaluated 2026-01-17.

Conditions:
Familial thoracic aortic aneurysm and aortic dissection (TAAD). Also called: Thoracic aortic aneurysms and dissections. Identifiers: Orphanet 91387, MedGen C4707243, MONDO:0019625.
Ehlers-Danlos syndrome, classic type, 1 (EDSCL1). Also called: EHLERS-DANLOS SYNDROME, GRAVIS TYPE; EHLERS-DANLOS SYNDROME, SEVERE CLASSIC TYPE; Ehlers-Danlos syndrome, type 1; Ehlers-Danlos Syndrome, Classic Type, COL5A1-Related; EDS I. Identifiers: MedGen C0268335, MONDO:0019567, OMIM 130000.

Allele frequency attached by ClinVar (database versions not stated): gnomAD exomes below 0.00001.
gnomAD v4.1: 10 of 1,614,158 alleles (0.00062%); highest among the groups gnomAD compares: Middle Eastern, 0.033%; no homozygotes.

Submissions (2):

Ambry Genetics
Classification: Uncertain significance for Familial thoracic aortic aneurysm and aortic dissection. Last evaluated: 2026-01-17. Review status: criteria provided, single submitter. Criteria: Ambry Variant Classification Scheme 2023. Collection method: clinical testing. Allele origin: germline.
Comment: The p.K1170R variant (also known as c.3509A>G), located in coding exon 44 of the COL5A1 gene, results from an A to G substitution at nucleotide position 3509. The lysine at codon 1170 is replaced by arginine, an amino acid with highly similar properties. This amino acid position is conserved. In addition, the in silico prediction for this alteration is inconclusive. Based on the available evidence, the clinical significance of this variant remains unclear.

Labcorp Genetics (formerly Invitae), Labcorp
Classification: Uncertain significance for Ehlers-Danlos syndrome, classic type, 1. Last evaluated: 2022-10-07. Review status: criteria provided, single submitter. Criteria: Invitae Variant Classification Sherloc (09022015). Collection method: clinical testing. Allele origin: germline.
Comment: In summary, the available evidence is currently insufficient to determine the role of this variant in disease. Therefore, it has been classified as a Variant of Uncertain Significance. Advanced modeling of protein sequence and biophysical properties (such as structural, functional, and spatial information, amino acid conservation, physicochemical variation, residue mobility, and thermodynamic stability) performed at Invitae indicates that this missense variant is not expected to disrupt COL5A1 protein function. ClinVar contains an entry for this variant (Variation ID: 1412102). This variant has not been reported in the literature in individuals affected with COL5A1-related conditions. This variant is not present in population databases (gnomAD no frequency). This sequence change replaces lysine, which is basic and polar, with arginine, which is basic and polar, at codon 1170 of the COL5A1 protein (p.Lys1170Arg).

NM_000093.5(COL5A1):c.3509A>G (p.Lys1170Arg)

Gene: COL5A1 (collagen type V alpha 1 chain; plus strand). Cytogenetic location: 9q34.3.
Variant type: single nucleotide variant.
Coding change: c.3509A>G on transcript NM_000093.5 (MANE Select); coding-DNA position 3509, A replaced by G.
Protein change: p.Lys1170Arg; replaces lysine 1170 with arginine.
Molecular consequence: missense variant.
Genome position (GRCh38, 1-based): chr9:134,810,289, A>G. VCF-style: chr9-134810289-A-G. GRCh37 (hg19) VCF-style: chr9-137702135-A-G.
Other names: c.3509A>G, p.Lys1170Arg (NM_001278074.1); c.3509A>G (NM_000093.3); short protein forms K1170R.
Identifiers: ClinVar variation 1412102 (VCV001412102.5), dbSNP rs2132841141, ClinGen allele CA375453667.
Genomic context (GRCh38, chr9:134,810,289, plus strand): 5'-ACCGAATCCCCCACACCTTCCCCTAGGGAGAGATCGGGGAGCCGGGGCAGAAAGGAAGCA[A>G]GGGGGACAAAGGAGAACAGGTAAGTATTGGCACGGGGGCGCGCGGCAGCCCCCAGGTCCC-3'
Protein context (NP_000084.3, residues 1160-1180): EIGEPGQKGS[Lys1170Arg]GDKGEQGPPG